The following is an entry in ClinVar:

NM_000141.5(FGFR2):c.-135C>T

Gene: FGFR2 (fibroblast growth factor receptor 2; minus strand). Cytogenetic location: 10q26.13.
Variant type: single nucleotide variant.
Coding change: c.-135C>T on transcript NM_000141.5 (MANE Select); 135 bases upstream of the start codon, C replaced by T.
Molecular consequence: 5 prime UTR variant. On other transcripts: non-coding transcript variant (1).
Genome position (GRCh38, 1-based): chr10:121,593,952, G>A on the plus strand (C>T on the coding strand, the complement: FGFR2 is on the minus strand). VCF-style: chr10-121593952-G-A. GRCh37 (hg19) VCF-style: chr10-123353466-G-A.
Other names: c.-135C>T (NM_001144913.1, NM_001144914.1, NM_001144915.2 and 7 more transcripts).
Identifiers: ClinVar variation 299015 (VCV000299015.5), dbSNP rs554557891, ClinGen allele CA10628114.

ClinVar aggregate classification (germline): Conflicting classifications of pathogenicity. Review status: criteria provided, conflicting classifications (1 of 4 stars). 5 submissions from 1 submitter: Uncertain significance (1); Benign (4). Last evaluated 2018-01-12.

Conditions:
Isolated Coronal Synostosis. Identifiers: MedGen CN043619.
Beare-Stevenson cutis gyrata syndrome (BSTVS). Identifiers: Orphanet 1555, MedGen C1852406, MONDO:0007412, OMIM 123790.
Saethre-Chotzen syndrome (SCS). Also called: ACROCEPHALY, SKULL ASYMMETRY, AND MILD SYNDACTYLY; ACS III; CHOTZEN SYNDROME. Identifiers: Orphanet 794, MedGen C0175699, MONDO:0007042, OMIM 101400.
Crouzon syndrome. Also called: CRANIOFACIAL DYSOSTOSIS, TYPE I; Craniofacial dysostosis; Craniofacial dysostosis type 1; Crouzon craniofacial dysostosis; Crouzon disease. Identifiers: Orphanet 207, MedGen C0010273, MeSH D003394, MONDO:0007405, OMIM 123500, HP:0004439.
Craniosynostosis syndrome. Also called: Craniosynostosis. Identifiers: Orphanet 1531, MedGen C0010278, MeSH D003398, MONDO:0015469, HP:0001363.

Allele frequency attached by ClinVar (database versions not stated): gnomAD exomes 0.00004; gnomAD 0.00031 and 0.00033; TOPMed 0.00032; 1000 Genomes Project 0.00040; 1000 Genomes Project 30x 0.00047.
gnomAD v4.1: 74 of 782,184 alleles (0.0095%); highest among the groups gnomAD compares: African/African-American, 0.1%; 1 homozygote.

Submissions (5):

Illumina Laboratory Services, Illumina
Classification: Benign for Beare-Stevenson cutis gyrata syndrome. Last evaluated: 2018-01-12. Review status: criteria provided, single submitter. Criteria: ICSL Variant Classification Criteria 13 December 2019. Collection method: clinical testing. Allele origin: germline.
Comment: This variant was observed in the ICSL laboratory as part of a predisposition screen in an ostensibly healthy population. It had not been previously curated by ICSL or reported in the Human Gene Mutation Database (HGMD: prior to June 1st, 2018), and was therefore a candidate for classification through an automated scoring system. Utilizing variant allele frequency, disease prevalence and penetrance estimates, and inheritance mode, an automated score was calculated to assess if this variant is too frequent to cause the disease. Based on the score and internal cut-off values, a variant classified as benign is not then subjected to further curation. The score for this variant resulted in a classification of benign for this disease.

Illumina Laboratory Services, Illumina
Classification: Benign for Craniosynostosis. Last evaluated: 2018-01-12. Review status: criteria provided, single submitter. Criteria: ICSL Variant Classification Criteria 13 December 2019. Collection method: clinical testing. Allele origin: germline.
Comment: the same text as in the submission from Illumina Laboratory Services, Illumina above.

Illumina Laboratory Services, Illumina
Classification: Benign for Saethre-Chotzen syndrome. Last evaluated: 2018-01-12. Review status: criteria provided, single submitter. Criteria: ICSL Variant Classification Criteria 13 December 2019. Collection method: clinical testing. Allele origin: germline.
Comment: the same text as in the submission from Illumina Laboratory Services, Illumina above.

Illumina Laboratory Services, Illumina
Classification: Benign for Crouzon syndrome. Last evaluated: 2018-01-12. Review status: criteria provided, single submitter. Criteria: ICSL Variant Classification Criteria 13 December 2019. Collection method: clinical testing. Allele origin: germline.
Comment: the same text as in the submission from Illumina Laboratory Services, Illumina above.

Illumina Laboratory Services, Illumina
Classification: Uncertain significance for Isolated coronal synostosis. Last evaluated: 2018-01-12. Review status: criteria provided, single submitter. Criteria: ICSL Variant Classification Criteria 13 December 2019. Collection method: clinical testing. Allele origin: germline.